The following is an entry in ClinVar:

NM_002025.4(AFF2):c.3325T>G (p.Cys1109Gly)

Gene: AFF2 (ALF transcription elongation factor 2; plus strand). Cytogenetic location: Xq28.
Variant type: single nucleotide variant.
Coding change: c.3325T>G on transcript NM_002025.4 (MANE Select); coding-DNA position 3325, T replaced by G.
Protein change: p.Cys1109Gly; replaces cysteine 1109 with glycine.
Molecular consequence: missense variant.
Genome position (GRCh38, 1-based): chrX:148,973,528, T>G. VCF-style: chrX-148973528-T-G. GRCh37 (hg19) VCF-style: chrX-148055058-T-G.
Other names: c.3220T>G, p.Cys1074Gly (NM_001169122.2, NM_001169124.2); c.3295T>G, p.Cys1099Gly (NM_001169123.2); c.3208T>G, p.Cys1070Gly (NM_001169125.2); c.2248T>G, p.Cys750Gly (NM_001170628.1); short protein forms C1070G, C1074G, C1099G, C1109G, C750G.
Identifiers: ClinVar variation 4822799 (VCV004822799.4).
Genomic context (GRCh38, chrX:148,973,528, plus strand): 5'-CAGTTCGAGAAATTTGGCAAAGCTGTGAATTATGCTGATGCCGCCCTCTCCTTCACTGAA[T>G]GTGGCAATGCCATGGAACGCGACCCTCTGGAAGCAAAGTCCCCATACACCATGTACTCTG-3'
Protein context (NP_002016.2, residues 1099-1119): YADAALSFTE[Cys1109Gly]GNAMERDPLE

ClinVar aggregate classification (germline): Uncertain significance (1 of 4 stars; one submission).

Submission:

CeGaT Center for Human Genetics Tuebingen
Classification: Uncertain significance. Last evaluated: 2025-12-01. Review status: criteria provided, single submitter. Criteria: CeGaT Center For Human Genetics Tuebingen Variant Classification Criteria Version 2. Collection method: clinical testing. Allele origin: germline. Affected: yes. Observed: 2 variant alleles.
Comment: AFF2: PM2, PP3